The following is an entry in ClinVar:

ClinVar aggregate classification (germline): Benign/Likely benign. Review status: criteria provided, multiple submitters, no conflicts (2 of 4 stars). 3 submissions from 3 submitters: Benign (1); Likely benign (2). Last evaluated 2026-08-01.

Conditions:
ANO6-related disorder. Also called: ANO6-related condition.

Allele frequency attached by ClinVar (database versions not stated): TOPMed 0.00039; ESP Exome Variant Server 0.00062; gnomAD exomes 0.00066 and 0.00121; ExAC 0.00102; gnomAD 0.00133 and 0.00139.
gnomAD v4.1: 1,147 of 1,608,814 alleles (0.071%); highest among the groups gnomAD compares: Non-Finnish European, 0.052%; 3 homozygotes.

Submissions (3):

CeGaT Center for Human Genetics Tuebingen
Classification: Likely benign. Last evaluated: 2026-08-01. Review status: criteria provided, single submitter. Criteria: CeGaT Center For Human Genetics Tuebingen Variant Classification Criteria Version 2. Collection method: clinical testing. Allele origin: germline. Affected: yes. Observed: 1 variant allele.
Comment: ANO6: BP4, BP7

Labcorp Genetics (formerly Invitae), Labcorp
Classification: Benign. Last evaluated: 2026-01-12. Review status: criteria provided, single submitter. Criteria: Invitae Variant Classification Sherloc (09022015). Collection method: clinical testing. Allele origin: germline.

PreventionGenetics, part of Exact Sciences
Classification: Likely benign for ANO6-related condition. Last evaluated: 2025-02-12. Review status: criteria provided, single submitter. Criteria: ACMG Guidelines, 2015. Collection method: clinical testing. Allele origin: germline.
Comment: This variant is classified as likely benign based on ACMG/AMP sequence variant interpretation guidelines (Richards et al. 2015 PMID: 25741868, with internal and published modifications).

NM_001025356.3(ANO6):c.228G>A (p.Glu76=)

Gene: ANO6 (anoctamin 6; plus strand). Cytogenetic location: 12q12.
Variant type: single nucleotide variant.
Coding change: c.228G>A on transcript NM_001025356.3 (MANE Select); coding-DNA position 228, G replaced by A.
Protein change: p.Glu76=; no amino-acid change (glutamic acid 76 retained).
Molecular consequence: synonymous variant.
Genome position (GRCh38, 1-based): chr12:45,331,372, G>A. VCF-style: chr12-45331372-G-A. GRCh37 (hg19) VCF-style: chr12-45725155-G-A.
Other names: c.174G>A, p.Glu58= (NM_001142678.2); c.228G>A, p.Glu76= (NM_001142679.2); c.291G>A, p.Glu97= (NM_001204803.2).
Identifiers: ClinVar variation 736634 (VCV000736634.9), dbSNP rs145969134, ClinGen allele CA6524922.